The following is an entry in ClinVar:

ClinVar aggregate classification (germline): Uncertain significance. Review status: criteria provided, single submitter (1 of 4 stars). 2 submissions from 2 submitters: Uncertain significance (1). 1 of the submissions does not count toward it. Last evaluated 2024-04-05.

Conditions:
Congenital stationary night blindness 1D. Also called: Night blindness, congenital stationary (complete), 1D, autosomal recessive. Identifiers: Orphanet 215, MedGen C3151193, MONDO:0013450, OMIM 613830.

Submissions (2):

Labcorp Genetics (formerly Invitae), Labcorp
Classification: Uncertain significance. Last evaluated: 2024-04-05. Review status: criteria provided, single submitter. Criteria: Invitae Variant Classification Sherloc (09022015). Collection method: clinical testing. Allele origin: germline.
Comment: This variant, c.1691_1693del, results in the deletion of 1 amino acid(s) of the SLC24A1 protein (p.Phe564del), but otherwise preserves the integrity of the reading frame. This variant is present in population databases (no rsID available, gnomAD 0.006%). This variant has been observed in individual(s) with congenital stationary night blindness (PMID: 26822852). ClinVar contains an entry for this variant (Variation ID: 489398). In summary, the available evidence is currently insufficient to determine the role of this variant in disease. Therefore, it has been classified as a Variant of Uncertain Significance.

OMIM
Classification: Pathogenic for NIGHT BLINDNESS, CONGENITAL STATIONARY, TYPE 1D. Last evaluated: 2018-02-12. Review status: no assertion criteria provided. Collection method: literature only. Allele origin: germline. Not counted in ClinVar's aggregate classification.

Literature cited by the submitters: PubMed 26822852 (cited by Labcorp Genetics (formerly Invitae), Labcorp and OMIM).

NM_004727.3(SLC24A1):c.1691_1693del (p.Phe564del)

Gene: SLC24A1 (solute carrier family 24 member 1; plus strand). Cytogenetic location: 15q22.31.
Variant type: Deletion.
Coding change: c.1691_1693del on transcript NM_004727.3 (MANE Select); coding-DNA positions 1691 to 1693, 3 bases deleted (TCT; older notation c.1691_1693delTCT).
Protein change: p.Phe564del; deletes phenylalanine 564.
Molecular consequence: inframe deletion.
Genome position (GRCh38, 1-based): chr15:65,625,771-65,625,773, TCT deleted; deleting any 3 consecutive bases within chr15:65,625,769-65,625,773 gives the same sequence; the c. name uses the placement nearest the transcript's 3' end. VCF-style (leftmost placement, unchanged base first): chr15-65625768-CCTT-C. GRCh37 (hg19) VCF-style: chr15-65918106-CCTT-C.
Other names: c.1691_1693del, p.Phe564del (NM_001301031.1, NM_001301032.1, NM_001301033.2); short protein forms F564del.
Identifiers: ClinVar variation 489398 (VCV000489398.4), dbSNP rs1555403793, ClinGen allele CA618958027.